The following is an entry in ClinVar:

NM_006361.6(HOXB13):c.69G>C (p.Gly23=)

Gene: HOXB13 (homeobox B13; minus strand). Cytogenetic location: 17q21.32.
Variant type: single nucleotide variant.
Coding change: c.69G>C on transcript NM_006361.6 (MANE Select); coding-DNA position 69, G replaced by C.
Protein change: p.Gly23=; no amino-acid change (glycine 23 retained).
Molecular consequence: synonymous variant.
Genome position (GRCh38, 1-based): chr17:48,728,525, C>G on the plus strand (G>C on the coding strand, the complement: HOXB13 is on the minus strand). VCF-style: chr17-48728525-C-G. GRCh37 (hg19) VCF-style: chr17-46805887-C-G.
Identifiers: ClinVar variation 3772967 (VCV003772967.2).

ClinVar aggregate classification (germline): Benign/Likely benign. Review status: criteria provided, multiple submitters, no conflicts (2 of 4 stars). 2 submissions from 2 submitters: Benign (1); Likely benign (1). Last evaluated 2025-10-01.

Conditions:
Hereditary cancer-predisposing syndrome. Also called: Neoplastic Syndromes, Hereditary; Tumor predisposition; Hereditary Cancer Syndrome; Hereditary neoplastic syndrome. Identifiers: Orphanet 140162, MedGen C0027672, MeSH D009386, MONDO:0015356.
Prostate cancer, hereditary, 9 (HPC9). Identifiers: Orphanet 1331, MedGen C1970250, MONDO:0012597, OMIM 610997.

gnomAD v4.1: 1 of 1,613,238 alleles (0.000062%); highest among the groups gnomAD compares: Non-Finnish European, 0.000085%; no homozygotes.

Submissions (2):

Ambry Genetics
Classification: Likely benign for Hereditary cancer-predisposing syndrome. Last evaluated: 2025-10-01. Review status: criteria provided, single submitter. Criteria: Ambry Variant Classification Scheme 2023. Collection method: clinical testing. Allele origin: germline.

Myriad Genetics, Inc.
Classification: Benign for Prostate cancer, hereditary, 9. Last evaluated: 2024-10-28. Review status: criteria provided, single submitter. Criteria: Myriad Autosomal Dominant, Autosomal Recessive and X-Linked Classification Criteria (2023). Collection method: clinical testing. Allele origin: unknown.
Comment: This variant is considered benign. This variant is a silent/synonymous amino acid change and it is not expected to impact splicing.